The following is an entry in ClinVar:

NM_001374736.1(DST):c.12697A>G (p.Thr4233Ala)

Gene: DST (dystonin; minus strand). Cytogenetic location: 6p12.1.
Variant type: single nucleotide variant.
Coding change: c.12697A>G on transcript NM_001374736.1 (MANE Select); coding-DNA position 12697, A replaced by G.
Protein change: p.Thr4233Ala; replaces threonine 4233 with alanine.
Molecular consequence: missense variant.
Genome position (GRCh38, 1-based): chr6:56,593,692, T>C on the plus strand (A>G on the coding strand, the complement: DST is on the minus strand). VCF-style: chr6-56593692-T-C. GRCh37 (hg19) VCF-style: chr6-56458490-T-C.
Other names: c.6340A>G, p.Thr2114Ala (NM_001144769.5); c.5926A>G, p.Thr1976Ala (NM_001144770.2); c.12697A>G, p.Thr4233Ala (NM_001374722.1); c.12064A>G, p.Thr4022Ala (NM_001374729.1); c.5806A>G, p.Thr1936Ala (NM_001374730.1, NM_001386100.1, NM_183380.4); c.12724A>G, p.Thr4242Ala (NM_001374734.1); c.4828A>G, p.Thr1610Ala (NM_015548.5); short protein forms T1936A, T4233A, T4242A, T4022A, T1610A, T2114A, T1976A.
Identifiers: ClinVar variation 1989094 (VCV001989094.3), dbSNP rs2536154710, ClinGen allele CA364525146.

ClinVar aggregate classification (germline): Uncertain significance (1 of 4 stars; one submission).

Conditions:
Epidermolysis bullosa simplex 3, localized or generalized intermediate, with BP230 deficiency (EBS3). Also called: Epidermolysis bullosa simplex, autosomal recessive 2; Epidermolysis bullosa simplex due to BP230 deficiency. Identifiers: Orphanet 412181, MedGen C3809470, MONDO:0014180, OMIM 615425.
Hereditary sensory and autonomic neuropathy type 6. Also called: Neuropathy, hereditary sensory and autonomic, type VI; HSAN VI. Identifiers: Orphanet 314381, MedGen C3539003, MONDO:0013839, OMIM 614653.

Allele frequency attached by ClinVar (database versions not stated): gnomAD exomes below 0.00001.
gnomAD v4.1: 1 of 1,608,938 alleles (0.000062%); highest among the groups gnomAD compares: Non-Finnish European, 0.000085%; no homozygotes.

Submission:

Labcorp Genetics (formerly Invitae), Labcorp
Classification: Uncertain significance for Epidermolysis bullosa simplex 3, localized or generalized intermediate, with BP230 deficiency; Hereditary sensory and autonomic neuropathy type 6. Last evaluated: 2024-06-24. Review status: criteria provided, single submitter. Criteria: Invitae Variant Classification Sherloc (09022015). Collection method: clinical testing. Allele origin: germline.
Comment: The DST gene has multiple clinically relevant transcripts. This variant occurs in alternate transcript NM_015548.4, and corresponds to NM_001723.5:c.*21825A>G in the primary transcript. This sequence change replaces threonine, which is neutral and polar, with alanine, which is neutral and non-polar, at codon 1610 of the DST protein (p.Thr1610Ala). This variant is not present in population databases (gnomAD no frequency). This variant has not been reported in the literature in individuals affected with DST-related conditions. Experimental studies and prediction algorithms are not available or were not evaluated, and the functional significance of this variant is currently unknown. In summary, the available evidence is currently insufficient to determine the role of this variant in disease. Therefore, it has been classified as a Variant of Uncertain Significance.